The following is an entry in ClinVar:

ClinVar aggregate classification (germline): Conflicting classifications of pathogenicity. Review status: criteria provided, conflicting classifications (1 of 4 stars). 3 submissions from 3 submitters: Uncertain significance (2); Likely benign (1). Last evaluated 2025-05-16.

Conditions:
Inborn genetic diseases. Identifiers: MedGen C0950123, MeSH D030342.
Developmental and epileptic encephalopathy, 42 (DEE42A). Also called: Epileptic encephalopathy, early infantile, 42; DEVELOPMENTAL AND EPILEPTIC ENCEPHALOPATHY 42A; EPILEPTIC ENCEPHALOPATHY, EARLY INFANTILE, 42A. Identifiers: MedGen C4310716, MONDO:0014917, OMIM 617106.
Episodic ataxia type 2 (EA2). Also called: ACETAZOLAMIDE-RESPONSIVE HEREDITARY PAROXYSMAL CEREBELLAR ATAXIA; ATAXIA, EPISODIC, WITH NYSTAGMUS; ATAXIA, FAMILIAL PAROXYSMAL; CEREBELLAR ATAXIA, PAROXYSMAL, ACETAZOLAMIDE-RESPONSIVE; CEREBELLOPATHY, HEREDITARY PAROXYSMAL; EPISODIC ATAXIA, NYSTAGMUS-ASSOCIATED. Identifiers: Orphanet 97, MedGen C1720416, MONDO:0007163, OMIM 108500.

Allele frequency attached by ClinVar (database versions not stated): gnomAD exomes 0.00001 and below 0.00001; TOPMed 0.00002; gnomAD 0.00001.
gnomAD v4.1: 3 of 1,515,990 alleles (0.0002%); highest among the groups gnomAD compares: African/African-American, 0.0043%; no homozygotes.

Submissions (3):

Ambry Genetics
Classification: Uncertain significance for Inborn genetic diseases. Last evaluated: 2025-05-16. Review status: criteria provided, single submitter. Criteria: Ambry Variant Classification Scheme 2023. Collection method: clinical testing. Allele origin: germline.

Labcorp Genetics (formerly Invitae), Labcorp
Classification: Likely benign for Developmental and epileptic encephalopathy, 42; Episodic ataxia type 2. Last evaluated: 2025-02-17. Review status: criteria provided, single submitter. Criteria: Invitae Variant Classification Sherloc (09022015). Collection method: clinical testing. Allele origin: germline.

GeneDx
Classification: Uncertain significance. Last evaluated: 2024-11-21. Review status: criteria provided, single submitter. Criteria: GeneDx Variant Classification Process June 2021. Collection method: clinical testing. Allele origin: germline. Affected: yes.
Comment: Not observed at significant frequency in large population cohorts (gnomAD); In silico analysis supports that this missense variant has a deleterious effect on protein structure/function; Has not been previously published as pathogenic or benign to our knowledge

NM_001127222.2(CACNA1A):c.2872C>A (p.His958Asn)

Gene: CACNA1A (calcium voltage-gated channel subunit alpha1 A; minus strand). Cytogenetic location: 19p13.13.
Variant type: single nucleotide variant.
Coding change: c.2872C>A on transcript NM_001127222.2 (MANE Select); coding-DNA position 2872, C replaced by A.
Protein change: p.His958Asn; replaces histidine 958 with asparagine.
Molecular consequence: missense variant.
Genome position (GRCh38, 1-based): chr19:13,298,761, G>T on the plus strand (C>A on the coding strand, the complement: CACNA1A is on the minus strand). VCF-style: chr19-13298761-G-T. GRCh37 (hg19) VCF-style: chr19-13409575-G-T.
Other names: c.2884C>A, p.His962Asn (NM_000068.4, NM_023035.3); c.2875C>A, p.His959Asn (NM_001127221.2, NM_001174080.2); short protein forms H958N, H959N, H962N.
Identifiers: ClinVar variation 1002259 (VCV001002259.14), dbSNP rs923472334, ClinGen allele CA305506243.
Genomic context (GRCh38, chr19:13,298,761, plus strand): 5'-GCGCCCTCCGCTCCGCCTTGTCCTCCGGACCCTCCTCCCCGGGCCTGCGGTGCGCGCGAT[G>T]ACGTCGATGCTCCCCGTCCGCGCCCGTGCGCGGGGACCCGCTGCGGCTCTCCCTGCTGCC-3'
Protein context (NP_001120694.1, residues 948-968): RTGADGEHRR[His958Asn]RAHRRPGEEG